The following is an entry in ClinVar:

NM_000824.5(GLRB):c.*1181C>T

Gene: GLRB (glycine receptor beta; plus strand). Cytogenetic location: 4q32.1.
Variant type: single nucleotide variant.
Coding change: c.*1181C>T on transcript NM_000824.5 (MANE Select); 1181 bases downstream of the stop codon, C replaced by T.
Molecular consequence: 3 prime UTR variant.
Genome position (GRCh38, 1-based): chr4:157,171,909, C>T. VCF-style: chr4-157171909-C-T. GRCh37 (hg19) VCF-style: chr4-158093061-C-T.
Other names: c.*1181C>T (NM_001166060.2); c.*1470C>T (NM_001166061.2).
Identifiers: ClinVar variation 347948 (VCV000347948.6), dbSNP rs10517662, ClinGen allele CA10620345.

ClinVar aggregate classification (germline): Benign. Review status: criteria provided, multiple submitters, no conflicts (2 of 4 stars). 2 submissions from 2 submitters: Benign (2). Last evaluated 2018-01-12.

Conditions:
Hyperekplexia 2 (HKPX2). Identifiers: Orphanet 3197, MedGen C3553291, MONDO:0013828, OMIM 614619.

Allele frequency attached by ClinVar (database versions not stated): gnomAD 0.07655 and 0.07687; 1000 Genomes Project 0.08606; 1000 Genomes Project 30x 0.08651; TOPMed 0.07785.

Submissions (2):

Illumina Laboratory Services, Illumina
Classification: Benign for Hyperekplexia 2. Last evaluated: 2018-01-12. Review status: criteria provided, single submitter. Criteria: ICSL Variant Classification Criteria 13 December 2019. Collection method: clinical testing. Allele origin: germline.
Comment: This variant was observed in the ICSL laboratory as part of a predisposition screen in an ostensibly healthy population. It had not been previously curated by ICSL or reported in the Human Gene Mutation Database (HGMD: prior to June 1st, 2018), and was therefore a candidate for classification through an automated scoring system. Utilizing variant allele frequency, disease prevalence and penetrance estimates, and inheritance mode, an automated score was calculated to assess if this variant is too frequent to cause the disease. Based on the score and internal cut-off values, a variant classified as benign is not then subjected to further curation. The score for this variant resulted in a classification of benign for this disease.

Breakthrough Genomics
Classification: Benign. Review status: criteria provided, single submitter. Criteria: ACMG Guidelines, 2015. Collection method: not provided. Allele origin: germline. Inheritance: Autosomal recessive inheritance. Affected: yes.